The following is an entry in ClinVar:

ClinVar aggregate classification (germline): Benign (0 of 4 stars; one submission).

Conditions:
NEIL1-related disorder. Also called: NEIL1-related condition.

Submission:

PreventionGenetics, part of Exact Sciences
Classification: Benign for NEIL1-related condition. Last evaluated: 2019-10-28. Review status: no assertion criteria provided. Collection method: clinical testing. Allele origin: germline.
Comment: This variant is classified as benign based on ACMG/AMP sequence variant interpretation guidelines (Richards et al. 2015 PMID: 25741868, with internal and published modifications).

NM_024608.4(NEIL1):c.435-819_435-818dup

Gene: NEIL1 (nei like DNA glycosylase 1; plus strand). Cytogenetic location: 15q24.2.
Variant type: Duplication.
Coding change: c.435-819_435-818dup on transcript NM_024608.4 (MANE Select); 819 bases into the intron before coding-DNA position 435 through 818 bases into the intron before coding-DNA position 435, 2 bases duplicated (TT; older notation c.435-819_435-818dupTT).
Molecular consequence: intron variant.
Genome position (GRCh38, 1-based): chr15:75,351,292-75,351,293, TT duplicated; duplicating any 2 consecutive bases within chr15:75,351,275-75,351,293 gives the same sequence; the c. name uses the placement nearest the transcript's 3' end. VCF-style (leftmost placement, unchanged base first): chr15-75351274-C-CTT. GRCh37 (hg19) VCF-style: chr15-75643615-C-CTT.
Other names: c.129-819_129-818dup (NM_001352520.2); c.100-9_100-8dup (NM_001352519.2); c.693-819_693-818dup (NM_001256552.1).
Identifiers: ClinVar variation 3037264 (VCV003037264.2), dbSNP rs11422837, ClinGen allele CA7665505.